The following is an entry in ClinVar:

NM_001164665.2(KIAA1549):c.1324G>A (p.Val442Met)

Gene: KIAA1549 (KIAA1549; minus strand). Cytogenetic location: 7q34.
Variant type: single nucleotide variant.
Coding change: c.1324G>A on transcript NM_001164665.2 (MANE Select); coding-DNA position 1324, G replaced by A.
Protein change: p.Val442Met; replaces valine 442 with methionine.
Molecular consequence: missense variant.
Genome position (GRCh38, 1-based): chr7:138,918,302, C>T on the plus strand (G>A on the coding strand, the complement: KIAA1549 is on the minus strand). VCF-style: chr7-138918302-C-T. GRCh37 (hg19) VCF-style: chr7-138603048-C-T.
Other names: c.1324G>A, p.Val442Met (NM_020910.3); short protein forms V442M.
Identifiers: ClinVar variation 1954215 (VCV001954215.5), dbSNP rs145624760, ClinGen allele CA167164079.
Genomic context (GRCh38, chr7:138,918,302, plus strand): 5'-AGATGCTGCTTTCTTCCAGCACGGTCATGCACAGAGTCTCGGCACCATCCCCTGATCCCA[C>T]GTCTTTCTCCATGAGGCTCGTGGCCAGAACTTGCTGAGGTGAAGGCACAGTGCAGGCCGC-3'
Protein context (NP_001158137.1, residues 432-452): VLATSLMEKD[Val442Met]GSGDGAETLC

ClinVar aggregate classification (germline): Uncertain significance (1 of 4 stars; one submission).

gnomAD v4.1: 8 of 1,613,908 alleles (0.0005%); highest among the groups gnomAD compares: Middle Eastern, 0.016%; no homozygotes.

Submission:

Labcorp Genetics (formerly Invitae), Labcorp
Classification: Uncertain significance. Last evaluated: 2022-05-05. Review status: criteria provided, single submitter. Criteria: Invitae Variant Classification Sherloc (09022015). Collection method: clinical testing. Allele origin: germline.
Comment: In summary, the available evidence is currently insufficient to determine the role of this variant in disease. Therefore, it has been classified as a Variant of Uncertain Significance. Algorithms developed to predict the effect of missense changes on protein structure and function output the following: SIFT: "Tolerated"; PolyPhen-2: "Benign"; Align-GVGD: "Class C0". The methionine amino acid residue is found in multiple mammalian species, which suggests that this missense change does not adversely affect protein function. This variant has not been reported in the literature in individuals affected with KIAA1549-related conditions. This variant is present in population databases (no rsID available, gnomAD 0.006%). This sequence change replaces valine, which is neutral and non-polar, with methionine, which is neutral and non-polar, at codon 442 of the KIAA1549 protein (p.Val442Met).